The following is an entry in ClinVar:

NM_002519.3(NPAT):c.904C>A (p.Pro302Thr)

Gene: NPAT (nuclear protein, coactivator of histone transcription; minus strand). Cytogenetic location: 11q22.3.
Variant type: single nucleotide variant.
Coding change: c.904C>A on transcript NM_002519.3 (MANE Select); coding-DNA position 904, C replaced by A.
Protein change: p.Pro302Thr; replaces proline 302 with threonine.
Molecular consequence: missense variant.
Genome position (GRCh38, 1-based): chr11:108,185,234, G>T on the plus strand (C>A on the coding strand, the complement: NPAT is on the minus strand). VCF-style: chr11-108185234-G-T. GRCh37 (hg19) VCF-style: chr11-108055961-G-T.
Other names: c.904C>A, p.Pro302Thr (NM_001321307.1); short protein forms P302T.
Identifiers: ClinVar variation 2567992 (VCV002567992.5), dbSNP rs1168748678, ClinGen allele CA382519570.
Genomic context (GRCh38, chr11:108,185,234, plus strand): 5'-CATCAATCTTAAGTATAAGTAACACACACGCACCCATGCACACCCCAACCACCCATACCG[G>T]AAGTCCTAGGAATTCATCAATTGAAGTCTCTGGCTCCGTAGGGTTGTTATCTGTTTGCTT-3'
Protein context (NP_002510.2, residues 292-312): ETSIDEFLGL[Pro302Thr]SEIHMSEEAI

ClinVar aggregate classification (germline): Uncertain significance. Review status: criteria provided, multiple submitters, no conflicts (2 of 4 stars). 2 submissions from 2 submitters: Uncertain significance (2). Last evaluated 2023-05-24.

gnomAD v4.1: 2 of 1,606,936 alleles (0.00012%); 1 homozygote.

Submissions (2):

Labcorp Genetics (formerly Invitae), Labcorp
Classification: Uncertain significance. Last evaluated: 2023-05-24. Review status: criteria provided, single submitter. Criteria: Invitae Variant Classification Sherloc (09022015). Collection method: clinical testing. Allele origin: germline.
Comment: In summary, the available evidence is currently insufficient to determine the role of this variant in disease. Therefore, it has been classified as a Variant of Uncertain Significance. An algorithm developed to predict the effect of missense changes on protein structure and function (PolyPhen-2) suggests that this variant is likely to be tolerated. This variant has not been reported in the literature in individuals affected with NPAT-related conditions. This variant is not present in population databases (gnomAD no frequency). This sequence change replaces proline, which is neutral and non-polar, with threonine, which is neutral and polar, at codon 302 of the NPAT protein (p.Pro302Thr).

Ambry Genetics
Classification: Uncertain significance. Last evaluated: 2023-05-07. Review status: criteria provided, single submitter. Criteria: Ambry Variant Classification Scheme 2023. Collection method: clinical testing. Allele origin: germline.
Comment: The p.P302T variant (also known as c.904C>A), located in coding exon 10 of the NPAT gene, results from a C to A substitution at nucleotide position 904. The proline at codon 302 is replaced by threonine, an amino acid with highly similar properties. This amino acid position is conserved. In addition, this alteration is predicted to be tolerated by in silico analysis. Since supporting evidence is limited at this time, the clinical significance of this alteration remains unclear.